The following is an entry in ClinVar:

ClinVar aggregate classification (germline): Uncertain significance. Review status: criteria provided, multiple submitters, no conflicts (2 of 4 stars). 2 submissions from 2 submitters: Uncertain significance (2). Last evaluated 2025-12-22.

Conditions:
Facioscapulohumeral muscular dystrophy 2 (FSHD2). Also called: FACIOSCAPULOHUMERAL MUSCULAR DYSTROPHY 2, DIGENIC; FSHD2, DIGENIC; MUSCULAR DYSTROPHY, FACIOSCAPULOHUMERAL, TYPE 1B. Identifiers: Orphanet 269, MedGen C1834671, MONDO:0008031, OMIM 158901.

Allele frequency attached by ClinVar (database versions not stated): TOPMed below 0.00001; gnomAD 0.00001; ExAC 0.00005; 1000 Genomes Project 30x 0.00016.

Submissions (2):

Labcorp Genetics (formerly Invitae), Labcorp
Classification: Uncertain significance for Facioscapulohumeral muscular dystrophy 2. Last evaluated: 2025-12-22. Review status: criteria provided, single submitter. Criteria: Invitae Variant Classification Sherloc (09022015). Collection method: clinical testing. Allele origin: germline.
Comment: This sequence change replaces isoleucine, which is neutral and non-polar, with asparagine, which is neutral and polar, at codon 917 of the SMCHD1 protein (p.Ile917Asn). The frequency data for this variant in the population databases is considered unreliable, as metrics indicate poor data quality at this position in the gnomAD database. This variant has not been reported in the literature in individuals affected with SMCHD1-related conditions. ClinVar contains an entry for this variant (Variation ID: 2436189). Invitae Evidence Modeling of protein sequence and biophysical properties (such as structural, functional, and spatial information, amino acid conservation, physicochemical variation, residue mobility, and thermodynamic stability) indicates that this missense variant is not expected to disrupt SMCHD1 protein function with a negative predictive value of 80%. In summary, the available evidence is currently insufficient to determine the role of this variant in disease. Therefore, it has been classified as a Variant of Uncertain Significance.

Revvity Omics, Revvity
Classification: Uncertain significance. Last evaluated: 2019-07-31. Review status: criteria provided, single submitter. Criteria: ACMG Guidelines, 2015. Collection method: clinical testing. Allele origin: germline.

NM_015295.3(SMCHD1):c.2750T>A (p.Ile917Asn)

Gene: SMCHD1 (structural maintenance of chromosomes flexible hinge domain containing 1; plus strand). Cytogenetic location: 18p11.32.
Variant type: single nucleotide variant.
Coding change: c.2750T>A on transcript NM_015295.3 (MANE Select); coding-DNA position 2750, T replaced by A.
Protein change: p.Ile917Asn; replaces isoleucine 917 with asparagine.
Molecular consequence: missense variant.
Genome position (GRCh38, 1-based): chr18:2,726,501, T>A. VCF-style: chr18-2726501-T-A. GRCh37 (hg19) VCF-style: chr18-2726499-T-A.
Other names: short protein forms I917N.
Identifiers: ClinVar variation 2436189 (VCV002436189.4), dbSNP rs745803825, ClinGen allele CA8871050.
Genomic context (GRCh38, chr18:2,726,501, plus strand): 5'-TTTTCCAACAGAATTATAATCTGAAGGTTACTCTGCCTGGCTTAAAAGAAGACTCACAGA[T>A]TTTGAAAATTAGATTACTACCTGGTAATATTATTTCAAGAAATATAATTATTTAAAATAA-3'
Protein context (NP_056110.2, residues 907-927): TLPGLKEDSQ[Ile917Asn]LKIRLLPGHP